The following is an entry in ClinVar:

ClinVar aggregate classification (germline): Likely benign (0 of 4 stars; one submission).

Conditions:
TDP1-related disorder. Also called: TDP1-related condition.

gnomAD v4.1: 2 of 1,614,042 alleles (0.00012%); highest among the groups gnomAD compares: Non-Finnish European, 0.00017%; no homozygotes.

Submission:

PreventionGenetics, part of Exact Sciences
Classification: Likely benign for TDP1-related condition. Last evaluated: 2019-06-12. Review status: no assertion criteria provided. Collection method: clinical testing. Allele origin: germline.
Comment: This variant is classified as likely benign based on ACMG/AMP sequence variant interpretation guidelines (Richards et al. 2015 PMID: 25741868, with internal and published modifications).

NM_018319.4(TDP1):c.1754-7C>A

Gene: TDP1 (tyrosyl-DNA phosphodiesterase 1; plus strand). Cytogenetic location: 14q32.11.
Variant type: single nucleotide variant.
Coding change: c.1754-7C>A on transcript NM_018319.4 (MANE Select); 7 bases into the intron before coding-DNA position 1754, C replaced by A.
Molecular consequence: intron variant.
Genome position (GRCh38, 1-based): chr14:90,043,063, C>A. VCF-style: chr14-90043063-C-A. GRCh37 (hg19) VCF-style: chr14-90509407-C-A.
Other names: c.1645-7C>A (NM_001330205.2); c.1754-7C>A (NM_001008744.2).
Identifiers: ClinVar variation 3042042 (VCV003042042.2), dbSNP rs1266629961, ClinGen allele CA615697530.